The following is an entry in ClinVar:

ClinVar aggregate classification (germline): Uncertain significance. Review status: criteria provided, multiple submitters, no conflicts (2 of 4 stars). 2 submissions from 2 submitters: Uncertain significance (2). Last evaluated 2022-03-09.

Conditions:
Hereditary cancer-predisposing syndrome. Also called: Tumor predisposition; Hereditary Cancer Syndrome; Hereditary neoplastic syndrome; Neoplastic Syndromes, Hereditary. Identifiers: Orphanet 140162, MedGen C0027672, MeSH D009386, MONDO:0015356.
Hereditary breast ovarian cancer syndrome. Also called: Hereditary breast and ovarian cancer; Hereditary breast and ovarian cancer syndrome; Breast and ovarian cancer; BRCA1- and BRCA2-Associated Hereditary Breast and Ovarian Cancer; Hereditary breast and/or ovarian cancer syndrome; Hereditary breast and ovarian cancer syndrome (HBOC). Identifiers: Orphanet 145, MedGen C0677776, MeSH D061325, MONDO:0003582. Disease mechanism: loss of function.

Submissions (2):

Ambry Genetics
Classification: Uncertain significance for Hereditary cancer-predisposing syndrome. Last evaluated: 2022-03-09. Review status: criteria provided, single submitter. Criteria: Ambry Variant Classification Scheme 2023. Collection method: clinical testing. Allele origin: germline.
Comment: The c.730_732delAAT variant (also known as p.N244del) is located in coding exon 9 of the BRCA1 gene. This variant results from an in-frame AAT deletion at nucleotide positions 730 to 732. This results in the in-frame deletion of an asparagine at codon 244. This amino acid position is poorly conserved in available vertebrate species. In addition, this alteration is predicted to be neutral by in silico analysis (Choi Y et al. PLoS ONE. 2012; 7(10):e46688). Since supporting evidence is limited at this time, the clinical significance of this alteration remains unclear.

Labcorp Genetics (formerly Invitae), Labcorp
Classification: Uncertain significance for Hereditary breast ovarian cancer syndrome. Last evaluated: 2021-08-31. Review status: criteria provided, single submitter. Criteria: Invitae Variant Classification Sherloc (09022015). Collection method: clinical testing. Allele origin: germline.
Comment: This variant, c.730_732del, results in the deletion of 1 amino acid(s) of the BRCA1 protein (p.Asn244del), but otherwise preserves the integrity of the reading frame. This variant is not present in population databases (ExAC no frequency). This variant has not been reported in the literature in individuals affected with BRCA1-related conditions. Experimental studies and prediction algorithms are not available or were not evaluated, and the functional significance of this variant is currently unknown. In summary, the available evidence is currently insufficient to determine the role of this variant in disease. Therefore, it has been classified as a Variant of Uncertain Significance.

NM_007294.4(BRCA1):c.727AAT[1] (p.Asn244del)

Gene: BRCA1 (BRCA1 DNA repair associated; minus strand). Cytogenetic location: 17q21.31.
Variant type: Microsatellite.
Coding change: c.727AAT[1] on transcript NM_007294.4 (MANE Select); one copy of the 3-base unit AAT starting at c.727; the reference has two copies in a row; one copy, 3 bases deleted.
Protein change: p.Asn244del; deletes asparagine 244.
Molecular consequence: inframe deletion. On other transcripts: inframe indel (351), non-coding transcript variant (1).
Genome position (GRCh38, 1-based): chr17:43,094,799-43,094,801, ATT deleted on the plus strand (AAT on the coding strand, the reverse complement: BRCA1 is on the minus strand); deleting any 3 consecutive bases within chr17:43,094,799-43,094,805 gives the same sequence; the position shown is the placement nearest the transcript's 3' end. VCF-style (leftmost placement, unchanged base first): chr17-43094798-CATT-C. GRCh37 (hg19) VCF-style: chr17-41246815-CATT-C.
Other names: c.513_515TAA[1], p.Asn173del (NM_001407571.1, NM_001407853.1, NM_001407894.1 and 12 more transcripts); c.726_728TAA[1], p.Asn244del (NM_001407581.1, NM_001407582.1, NM_001407583.1 and 53 more transcripts); c.723_725TAA[1], p.Asn243del (NM_001407587.1, NM_001407590.1, NM_001407591.1 and 38 more transcripts); c.717_719TAA[1], p.Asn241del (NM_001407646.1, NM_001407647.1, NM_001408408.1); c.603_605TAA[1], p.Asn203del (NM_001407648.1, NM_001407664.1, NM_001407665.1 and 34 more transcripts); c.600_602TAA[1], p.Asn202del (NM_001407649.1, NM_001407670.1, NM_001407671.1 and 20 more transcripts); c.648_650TAA[1], p.Asn218del (NM_001407653.1, NM_001407654.1, NM_001407655.1 and 9 more transcripts); c.645_647TAA[1], p.Asn217del (NM_001407659.1, NM_001407660.1, NM_001407661.1 and 3 more transcripts); and 17 more; short protein forms N197del, N244del, N116del, N173del, N177del, N199del, N217del, N76del.
Identifiers: ClinVar variation 1442273 (VCV001442273.8), dbSNP rs2154495079, ClinGen allele CA2580612645.
Genomic context (GRCh38, chr17:43,094,798, plus strand): 5'-AACTACCCTGATACTTTTCTGGATGCCTCTCAGCTGCACGCTTCTCAGTGGTGTTCAAAT[CATT>C]ATTACTGGGTTGATGATGTTCAGTATTTGTTACATCCGTCTCAGAAAATTCACAAGCAGC-3'